The following is an entry in ClinVar:

NM_138459.5(NUS1):c.521G>A (p.Ser174Asn)

Gene: NUS1 (NUS1 dehydrodolichyl diphosphate synthase subunit; plus strand). Cytogenetic location: 6q22.1.
Variant type: single nucleotide variant.
Coding change: c.521G>A on transcript NM_138459.5 (MANE Select); coding-DNA position 521, G replaced by A.
Protein change: p.Ser174Asn; replaces serine 174 with asparagine.
Molecular consequence: missense variant.
Genome position (GRCh38, 1-based): chr6:117,693,147, G>A. VCF-style: chr6-117693147-G-A. GRCh37 (hg19) VCF-style: chr6-118014310-G-A.
Other names: short protein forms S174N.
Identifiers: ClinVar variation 2832918 (VCV002832918.3), dbSNP rs2482014298, ClinGen allele CA365536839.
Genomic context (GRCh38, chr6:117,693,147, plus strand): 5'-AACAACAGCAAGAACTTCTGGGCCTAGATTGTTCAAAATACTCACCAGAATTTGCAAATA[G>A]TAATGACAAAGATGATCAAGGTAAGCATGAGTGTATAATTGAACATGTAACATATGAAGA-3'
Protein context (NP_612468.1, residues 164-184): CSKYSPEFAN[Ser174Asn]NDKDDQVLNC

ClinVar aggregate classification (germline): Uncertain significance (1 of 4 stars; one submission).

Conditions:
Congenital disorder of glycosylation, type Iaa. Also called: Congenital disorder of glycosylation, type 1aa. Identifiers: MedGen C4310727, MONDO:0014904, OMIM 617082.

Allele frequency attached by ClinVar (database versions not stated): gnomAD exomes below 0.00001.
gnomAD v4.1: 2 of 1,612,704 alleles (0.00012%); highest among the groups gnomAD compares: South Asian, 0.0011%; no homozygotes.

Submission:

Labcorp Genetics (formerly Invitae), Labcorp
Classification: Uncertain significance for Congenital disorder of glycosylation, type Iaa. Last evaluated: 2023-09-05. Review status: criteria provided, single submitter. Criteria: Invitae Variant Classification Sherloc (09022015). Collection method: clinical testing. Allele origin: germline.
Comment: In summary, the available evidence is currently insufficient to determine the role of this variant in disease. Therefore, it has been classified as a Variant of Uncertain Significance. This sequence change replaces serine, which is neutral and polar, with asparagine, which is neutral and polar, at codon 174 of the NUS1 protein (p.Ser174Asn). This variant is not present in population databases (gnomAD no frequency). This variant has not been reported in the literature in individuals affected with NUS1-related conditions. An algorithm developed to predict the effect of missense changes on protein structure and function (PolyPhen-2) suggests that this variant is likely to be tolerated.